The following is an entry in ClinVar:

NM_004333.6(BRAF):c.272C>G (p.Ala91Gly)

Gene: BRAF (B-Raf proto-oncogene, serine/threonine kinase; minus strand). Cytogenetic location: 7q34.
Variant type: single nucleotide variant.
Coding change: c.272C>G on transcript NM_004333.6 (MANE Select); coding-DNA position 272, C replaced by G.
Protein change: p.Ala91Gly; replaces alanine 91 with glycine.
Molecular consequence: missense variant. On other transcripts: intron variant (1).
Genome position (GRCh38, 1-based): chr7:140,834,841, G>C on the plus strand (C>G on the coding strand, the complement: BRAF is on the minus strand). VCF-style: chr7-140834841-G-C. GRCh37 (hg19) VCF-style: chr7-140534641-G-C.
Other names: c.272C>G, p.Ala91Gly (NM_001354609.2, NM_001374244.1, NM_001374258.1 and 5 more transcripts); c.170C>G, p.Ala57Gly (NM_001378470.1); c.116C>G, p.Ala39Gly (NM_001378472.1, NM_001378473.1); c.240+15270C>G (NM_001378475.1); short protein forms A91G, A39G, A57G.
Identifiers: ClinVar variation 1347544 (VCV001347544.8), dbSNP rs886041256, ClinGen allele CA369593902.

ClinVar aggregate classification (germline): Uncertain significance (1 of 4 stars; one submission).

Conditions:
RASopathy. Also called: Noonan spectrum disorder; rasopathies. Identifiers: Orphanet 536391, MedGen C5555857, MONDO:0021060.

gnomAD v4.1: 1 of 1,614,122 alleles (0.000062%); highest among the groups gnomAD compares: East Asian, 0.0022%; no homozygotes.

Submission:

Labcorp Genetics (formerly Invitae), Labcorp
Classification: Uncertain significance for RASopathy. Last evaluated: 2022-03-08. Review status: criteria provided, single submitter. Criteria: Invitae Variant Classification Sherloc (09022015). Collection method: clinical testing. Allele origin: germline.
Comment: In summary, the available evidence is currently insufficient to determine the role of this variant in disease. Therefore, it has been classified as a Variant of Uncertain Significance. Advanced modeling of protein sequence and biophysical properties (such as structural, functional, and spatial information, amino acid conservation, physicochemical variation, residue mobility, and thermodynamic stability) performed at Invitae indicates that this missense variant is not expected to disrupt BRAF protein function. This variant has not been reported in the literature in individuals affected with BRAF-related conditions. This variant is not present in population databases (gnomAD no frequency). This sequence change replaces alanine, which is neutral and non-polar, with glycine, which is neutral and non-polar, at codon 91 of the BRAF protein (p.Ala91Gly).